The following is an entry in ClinVar:

NM_001382567.1(STIM1):c.325C>T (p.His109Tyr)

Gene: STIM1 (stromal interaction molecule 1; plus strand). Cytogenetic location: 11p15.4.
Variant type: single nucleotide variant.
Coding change: c.325C>T on transcript NM_001382567.1 (MANE Select); coding-DNA position 325, C replaced by T.
Protein change: p.His109Tyr; replaces histidine 109 with tyrosine.
Molecular consequence: missense variant. On other transcripts: 5 prime UTR variant (3), non-coding transcript variant (3).
Genome position (GRCh38, 1-based): chr11:4,023,927, C>T. VCF-style: chr11-4023927-C-T. GRCh37 (hg19) VCF-style: chr11-4045157-C-T.
Other names: c.325C>T, p.His109Tyr (NM_001277961.3, NM_001277962.2, NM_001382568.1 and 3 more transcripts); c.103C>T, p.His35Tyr (NM_001382566.1, NM_001382573.1, NM_001382574.1 and 5 more transcripts); c.190C>T, p.His64Tyr (NM_001382569.1); c.-44C>T (NM_001382571.1); c.-165C>T (NM_001382580.1, NM_001382581.1); short protein forms H109Y, H35Y, H64Y.
Identifiers: ClinVar variation 3763455 (VCV003763455.2).

ClinVar aggregate classification (germline): Pathogenic (1 of 4 stars; one submission).

Conditions:
Myopathy with tubular aggregates (TAM). Also called: Tubular Aggregate Myopathy. Identifiers: Orphanet 2593, MedGen C0410207, MONDO:0008051.
Combined immunodeficiency due to STIM1 deficiency. Also called: STIM1 DEFICIENCY; IMMUNODEFICIENCY 10. Identifiers: Orphanet 169090, Orphanet 317430, MedGen C2748557, MONDO:0013008, OMIM 612783.
Stormorken syndrome (STRMK). Also called: THROMBOCYTOPATHY, ASPLENIA, AND MIOSIS. Identifiers: Orphanet 3204, MedGen C1861451, MONDO:0008497, OMIM 185070.

gnomAD v4.1: 1 of 1,614,108 alleles (0.000062%); highest among the groups gnomAD compares: Admixed American, 0.0017%; no homozygotes.

Submission:

Labcorp Genetics (formerly Invitae), Labcorp
Classification: Pathogenic for Myopathy with tubular aggregates; Combined immunodeficiency due to STIM1 deficiency; Stormorken syndrome. Last evaluated: 2024-04-10. Review status: criteria provided, single submitter. Criteria: Invitae Variant Classification Sherloc (09022015). Collection method: clinical testing. Allele origin: germline.
Comment: This sequence change replaces histidine, which is basic and polar, with tyrosine, which is neutral and polar, at codon 109 of the STIM1 protein (p.His109Tyr). This variant is present in population databases (no rsID available, gnomAD 0.003%). This missense change has been observed in individual(s) with tubular aggregate myopathy (PMID: 32893083). It has also been observed to segregate with disease in related individuals. Advanced modeling of protein sequence and biophysical properties (such as structural, functional, and spatial information, amino acid conservation, physicochemical variation, residue mobility, and thermodynamic stability) performed at Invitae indicates that this missense variant is expected to disrupt STIM1 protein function with a positive predictive value of 80%. This variant disrupts the p.His109 amino acid residue in STIM1. Other variant(s) that disrupt this residue have been determined to be pathogenic (PMID: 23332920, 24570283). This suggests that this residue is clinically significant, and that variants that disrupt this residue are likely to be disease-causing. For these reasons, this variant has been classified as Pathogenic.

Literature cited by the submitters: PubMed 32893083; PubMed 23332920; PubMed 24570283.